The following is an entry in ClinVar:

NM_017838.4(NHP2):c.436G>C (p.Val146Leu)

Genes: NHP2 (NHP2 ribonucleoprotein; minus strand), RMND5B (required for meiotic nuclear division 5 homolog B; plus strand). Cytogenetic location: 5q35.3.
Variant type: single nucleotide variant.
Coding change: c.436G>C on transcript NM_017838.4 (MANE Select); coding-DNA position 436, G replaced by C.
Protein change: p.Val146Leu; replaces valine 146 with leucine.
Molecular consequence: missense variant. On other transcripts: 3 prime UTR variant (5).
Genome position (GRCh38, 1-based): chr5:178,149,739, C>G on the plus strand (G>C on the coding strand, the complement: NHP2 is on the minus strand). VCF-style: chr5-178149739-C-G. GRCh37 (hg19) VCF-style: chr5-177576740-C-G.
Other names: c.*57G>C (NM_001034833.2, NM_001396110.1); c.*1707C>G (NM_001288794.2, NM_001288795.2, NM_022762.5); short protein forms V146L.
Identifiers: ClinVar variation 2001777 (VCV002001777.4), dbSNP rs1382630853, ClinGen allele CA362390965.

ClinVar aggregate classification (germline): Uncertain significance (1 of 4 stars; one submission).

Conditions:
Dyskeratosis congenita. Identifiers: Orphanet 1775, MedGen C0265965, MONDO:0015780.

Allele frequency attached by ClinVar (database versions not stated): gnomAD 0.00025.
gnomAD v4.1: 50 of 1,613,958 alleles (0.0031%); highest among the groups gnomAD compares: Admixed American, 0.083%; no homozygotes.

Submission:

Labcorp Genetics (formerly Invitae), Labcorp
Classification: Uncertain significance for Dyskeratosis congenita. Last evaluated: 2022-05-10. Review status: criteria provided, single submitter. Criteria: Invitae Variant Classification Sherloc (09022015). Collection method: clinical testing. Allele origin: germline.
Comment: Algorithms developed to predict the effect of missense changes on protein structure and function (SIFT, PolyPhen-2, Align-GVGD) all suggest that this variant is likely to be tolerated. In summary, the available evidence is currently insufficient to determine the role of this variant in disease. Therefore, it has been classified as a Variant of Uncertain Significance. This variant has not been reported in the literature in individuals affected with NHP2-related conditions. This variant is present in population databases (no rsID available, gnomAD 0.04%). This sequence change replaces valine, which is neutral and non-polar, with leucine, which is neutral and non-polar, at codon 146 of the NHP2 protein (p.Val146Leu).